The following is an entry in ClinVar:

ClinVar aggregate classification (germline): Pathogenic/Likely pathogenic. Review status: criteria provided, multiple submitters, no conflicts (2 of 4 stars). 2 submissions from 2 submitters: Pathogenic (1); Likely pathogenic (1). Last evaluated 2024-11-18.

Submissions (2):

Labcorp Genetics (formerly Invitae), Labcorp
Classification: Pathogenic. Last evaluated: 2024-11-18. Review status: criteria provided, single submitter. Criteria: Invitae Variant Classification Sherloc (09022015). Collection method: clinical testing. Allele origin: germline.
Comment: This sequence change creates a premature translational stop signal (p.Arg203Aspfs*37) in the VARS2 gene. It is expected to result in an absent or disrupted protein product. Loss-of-function variants in VARS2 are known to be pathogenic (PMID: 29313548). This variant is not present in population databases (gnomAD no frequency). This premature translational stop signal has been observed in individual(s) with clinical features of VARS2-related conditions (PMID: 31623496). ClinVar contains an entry for this variant (Variation ID: 809890). For these reasons, this variant has been classified as Pathogenic.

CeGaT Center for Human Genetics Tuebingen
Classification: Likely pathogenic. Last evaluated: 2017-11-01. Review status: criteria provided, single submitter. Criteria: CeGaT Center For Human Genetics Tuebingen Variant Classification Criteria Version 2. Collection method: clinical testing. Allele origin: germline. Affected: yes. Observed: 1 variant allele.

Literature cited by the submitters: PubMed 29313548 (cited by Labcorp Genetics (formerly Invitae), Labcorp); PubMed 31623496 (cited by Labcorp Genetics (formerly Invitae), Labcorp).

NM_020442.6(VARS2):c.513_516dup (p.Arg173fs)

Gene: VARS2 (valyl-tRNA synthetase 2, mitochondrial; plus strand). Cytogenetic location: 6p21.33.
Variant type: Duplication.
Coding change: c.513_516dup on transcript NM_020442.6 (MANE Select); coding-DNA positions 513 to 516, 4 bases duplicated (GATG; older notation c.513_516dupGATG).
Protein change: p.Arg173fs; shifts the reading frame from arginine 173.
Molecular consequence: frameshift variant.
Genome position (GRCh38, 1-based): chr6:30,915,987-30,915,990, GATG duplicated; duplicating any 4 consecutive bases within chr6:30,915,986-30,915,990 gives the same sequence; the c. name uses the placement nearest the transcript's 3' end. VCF-style (leftmost placement, unchanged base first): chr6-30915985-C-CGGAT. GRCh37 (hg19) VCF-style: chr6-30883762-C-CGGAT.
Other names: c.93_96dup, p.Arg33fs (NM_001167733.3); c.603_606dup, p.Arg203fs (NM_001167734.2); short protein forms R203fs, R173fs, R33fs.
Identifiers: ClinVar variation 809890 (VCV000809890.44), dbSNP rs1582173192, ClinGen allele CA915944171.